The following is an entry in ClinVar:

ClinVar aggregate classification (germline): Pathogenic/Likely pathogenic. Review status: criteria provided, multiple submitters, no conflicts (2 of 4 stars). 12 submissions from 12 submitters: Pathogenic (9); Likely pathogenic (1). 2 of the submissions do not count toward it. Last evaluated 2025-02-26.

Conditions:
Neurologic, endocrine, and pancreatic disease, multisystem, infantile-onset 2 (IMNEPD2). Also called: YARS1 Deficiency. Identifiers: MedGen C5543623, MONDO:0030375, OMIM 619418.
Metachromatic leukodystrophy (MLD). Also called: METACHROMATIC LEUKOENCEPHALOPATHY; SULFATIDE LIPIDOSIS; Cerebral sclerosis diffuse metachromatic form; Arylsulfatase A Deficiency; ARSA DEFICIENCY; CEREBROSIDE SULFATASE DEFICIENCY. Identifiers: Orphanet 512, MedGen C0023522, MONDO:0018868, OMIM 250100.

Allele frequency attached by ClinVar (database versions not stated): gnomAD exomes 0.00001; ExAC 0.00002; TOPMed 0.00001.

Submissions (13):

Natera, Inc.
Classification: Pathogenic for Metachromatic leukodystrophy. Last evaluated: 2025-02-26. Review status: criteria provided, single submitter. Criteria: Natera Variant Classification Schema (03/2026). Collection method: clinical testing. Allele origin: germline.
Comment: The c.883G>A variant in ARSA is a missense variant predicted to cause substitution of glycine to serine at amino acid 295. This variant is rare in the general population with a frequency below the threshold expected for the associated phenotype(s). This variant has been observed in one or more individuals affected with the associated recessive disease, as either homozygous or compound heterozygous with a second variant (PMID: 31418856, 34055681, 28762252, 33855715, 36240581). Given the available evidence, this variant is classified as Pathogenic.

GeneDx
Classification: Pathogenic. Last evaluated: 2024-04-30. Review status: criteria provided, single submitter. Criteria: GeneDx Variant Classification Process June 2021. Collection method: clinical testing. Allele origin: germline. Affected: yes.
Comment: Published functional studies found G295S is associated with no detectable ARSA activity (PMID: 15326627); Not observed at significant frequency in large population cohorts (gnomAD); In silico analysis supports that this missense variant has a deleterious effect on protein structure/function; Previously reported as G293S due to the use of alternate nomenclature; This variant is associated with the following publications: (PMID: 33185815, 15326627, 31418856, 34302356, 34055681, 18786133)

Fulgent Genetics
Classification: Pathogenic for Metachromatic leukodystrophy. Last evaluated: 2024-03-08. Review status: criteria provided, single submitter. Criteria: ACMG Guidelines, 2015. Collection method: clinical testing. Allele origin: germline.

Labcorp Genetics (formerly Invitae), Labcorp
Classification: Pathogenic for Metachromatic leukodystrophy. Last evaluated: 2024-02-19. Review status: criteria provided, single submitter. Criteria: Invitae Variant Classification Sherloc (09022015). Collection method: clinical testing. Allele origin: germline.
Comment: This sequence change replaces glycine, which is neutral and non-polar, with serine, which is neutral and polar, at codon 295 of the ARSA protein (p.Gly295Ser). This variant is present in population databases (rs199476349, gnomAD 0.003%). This missense change has been observed in individual(s) with metachromatic leukodystrophy (PMID: 15326627, 18786133). This variant is also known as Gly293Ser. ClinVar contains an entry for this variant (Variation ID: 68154). Advanced modeling of protein sequence and biophysical properties (such as structural, functional, and spatial information, amino acid conservation, physicochemical variation, residue mobility, and thermodynamic stability) performed at Invitae indicates that this missense variant is expected to disrupt ARSA protein function with a positive predictive value of 95%. Experimental studies have shown that this missense change affects ARSA function (PMID: 15326627). For these reasons, this variant has been classified as Pathogenic.

Women's Health and Genetics/Laboratory Corporation of America, LabCorp
Classification: Pathogenic for Metachromatic leukodystrophy. Last evaluated: 2023-12-18. Review status: criteria provided, single submitter. Criteria: LabCorp Variant Classification Summary - May 2015. Collection method: clinical testing. Allele origin: germline.
Comment: Variant summary: ARSA c.883G>A (p.Gly295Ser) results in a non-conservative amino acid change in the encoded protein sequence. Three of four in-silico tools predict a damaging effect of the variant on protein function. The variant allele was found at a frequency of 1.2e-05 in 248784 control chromosomes. c.883G>A has been reported in the literature in multiple compound heterozygous individuals affected with Metachromatic Leukodystrophy, including with adult and early juvenille onset (e.g. Berna_2004, Biffi_2008, Santhanakumaran_2022). These data indicate that the variant is likely to be associated with disease. At least one publication reports experimental evidence evaluating an impact on protein function. The most pronounced variant effect results in null enzyme activity in vitro (e.g. Berna_2004). The following publications have been ascertained in the context of this evaluation (PMID: 15326627, 18786133, 36240581). Six submitters have cited clinical-significance assessments for this variant to ClinVar after 2014. All submitters classified the variant as pathogenic (n=4) or likely pathogenic (n=2). Based on the evidence outlined above, the variant was classified as pathogenic.

Neuberg Centre For Genomic Medicine, NCGM
Classification: Pathogenic for Neurologic, endocrine, and pancreatic disease, multisystem, infantile-onset 2. Last evaluated: 2023-06-22. Review status: criteria provided, single submitter. Criteria: ACMG Guidelines, 2015. Collection method: clinical testing. Allele origin: germline. Inheritance: Autosomal recessive inheritance. Affected: yes.
Comment: The missense c.883G>A(p.Gly295Ser) variant in ARSA gene has been reported previously in individual(s) affected with metachromatic leukodystrophy (Biffi A, et al., 2008; Berná L, et al., 2004). Experimental studies have shown that this missense change affects ARSA function (Berná L, et al., 2004). The p.Gly295Ser variant is present with allele frequency of 0.001% in gnomAD Exomes. This variant has been submitted to the ClinVar database as Likely Pathogenic / Pathogenic (multiple submissions). Multiple lines of computational evidences (SIFT - Damaging and MutationTaster - Disease causing) predict a damaging effect on protein structure and function for this variant. The reference amino acid at this position on ARSA gene is predicted as conserved by GERP++ and PhyloP across 100 vertebrates. The amino acid Gly at position 295 is changed to a Ser changing protein sequence and it might alter its composition and physico-chemical properties. For these reasons, this variant has been classified as Pathogenic. In absence of another reportable variant in ARSA gene, the molecular diagnosis is not confirmed.

CeGaT Center for Human Genetics Tuebingen
Classification: Pathogenic. Last evaluated: 2022-11-01. Review status: criteria provided, single submitter. Criteria: CeGaT Center For Human Genetics Tuebingen Variant Classification Criteria Version 2. Collection method: clinical testing. Allele origin: germline. Affected: yes. Observed: 1 variant allele.

Equipe Genetique des Anomalies du Developpement, Université de Bourgogne
Classification: Pathogenic for Metachromatic leukodystrophy. Last evaluated: 2021-10-28. Review status: criteria provided, single submitter. Criteria: ACMG Guidelines, 2015. Collection method: clinical testing. Allele origin: paternal. Affected: yes.

Illumina Laboratory Services, Illumina
Classification: Likely pathogenic for Metachromatic leukodystrophy. Last evaluated: 2017-04-27. Review status: criteria provided, single submitter. Criteria: ICSL Variant Classification Criteria 09 May 2019. Collection method: clinical testing. Allele origin: germline.
Comment: The ARSA c.883G>A (p.Gly295Ser) variant (previously reported as c.887G>A, p.Gly293Ser) has been reported in two studies in which it was found in a compound heterozygous state with a second missense variant in a total of three individuals with metachromatic leukodystrophy (Berna et al. 2004; Biffi et al. 2008). One of the compound heterozygous individuals was also heterozygous for two additional variants (one known phenotype modifier and one functional polymorphism known to reduce enzyme activity) but did not carry the most common pseudodeficiency alleles (Biffi et al. 2008). Control data are unavailable for this variant, which is reported at a frequency of 0.00003 in the European (non-Finnish) population of the Exome Aggregation Consortium. However, this frequency is based on two alleles only in a region of good sequence coverage, suggesting the variant is rare. The p.Gly295Ser variant is located in a conserved residue in a functionally important domain of the protein. Functional studies in BHK-21 cells demonstrated the variant to be a null allele, causing the complete loss of enzyme activity (Berna et al. 2004). Based on the evidence, the p.Gly295Ser variant is classified as likely pathogenic for arylsulfatase A deficiency. This variant was observed by ICSL as part of a predisposition screen in an ostensibly healthy population.

Eurofins Ntd Llc (ga)
Classification: Pathogenic. Last evaluated: 2013-02-25. Review status: criteria provided, single submitter. Criteria: EGL Classification Definitions 2015. Collection method: clinical testing. Allele origin: germline. Observed: 1 variant allele, 1 heterozygote.

Counsyl
Classification: Likely pathogenic for Metachromatic leukodystrophy. Last evaluated: 2016-08-09. Review status: no assertion criteria provided. Collection method: clinical testing. Allele origin: unknown. Not counted in ClinVar's aggregate classification.

Gelb Laboratory, University of Washington
No classification provided (evidence only). Condition: Metachromatic leukodystrophy. Review status: no classification provided. Collection method: in vitro. Allele origin: not applicable. Functional consequence: loss of function. Not counted in ClinVar's aggregate classification.

UniProtKB/Swiss-Prot
No classification provided. Review status: no classification provided. Collection method: not provided. Allele origin: not provided. Not counted in ClinVar's aggregate classification.

Literature cited by the submitters: PubMed 31418856 (cited by Natera, Inc.); PubMed 34055681 (cited by Natera, Inc.); PubMed 28762252 (cited by Natera, Inc.); PubMed 33855715 (cited by Natera, Inc.); PubMed 36240581 (cited by Natera, Inc. and Women's Health and Genetics/Laboratory Corporation of America, LabCorp); PubMed 15326627 (cited by 4 submitters); PubMed 18786133 (cited by 4 submitters).

NM_000487.6(ARSA):c.883G>A (p.Gly295Ser)

Gene: ARSA (arylsulfatase A; minus strand). Cytogenetic location: 22q13.33.
Variant type: single nucleotide variant.
Coding change: c.883G>A on transcript NM_000487.6 (MANE Select); coding-DNA position 883, G replaced by A.
Protein change: p.Gly295Ser; replaces glycine 295 with serine.
Molecular consequence: missense variant.
Genome position (GRCh38, 1-based): chr22:50,626,250, C>T on the plus strand (G>A on the coding strand, the complement: ARSA is on the minus strand). VCF-style: chr22-50626250-C-T. GRCh37 (hg19) VCF-style: chr22-51064678-C-T.
Other names: c.883G>A, p.Gly295Ser (NM_001085425.3, NM_001085426.3, NM_001085427.3); c.625G>A, p.Gly209Ser (NM_001085428.3, NM_001362782.2); short protein forms G295S, G209S.
Identifiers: ClinVar variation 68154 (VCV000068154.60), dbSNP rs199476349, ClinGen allele CA219064.